The following is an entry in ClinVar:

NM_003118.4(SPARC):c.873C>T (p.Gly291=)

Genes: SPARC (secreted protein acidic and cysteine rich; minus strand), LOC126807556 (MED14-independent group 3 enhancer GRCh37_chr5:151042798-151043997; plus strand). Cytogenetic location: 5q33.1.
Variant type: single nucleotide variant.
Coding change: c.873C>T on transcript NM_003118.4 (MANE Select); coding-DNA position 873, C replaced by T.
Protein change: p.Gly291=; no amino-acid change (glycine 291 retained).
Molecular consequence: synonymous variant.
Genome position (GRCh38, 1-based): chr5:151,664,097, G>A on the plus strand (C>T on the coding strand, the complement: SPARC is on the minus strand). VCF-style: chr5-151664097-G-A. GRCh37 (hg19) VCF-style: chr5-151043658-G-A.
Other names: c.870C>T, p.Gly290= (NM_001309443.2); c.873C>T, p.Gly291= (NM_001309444.2).
Identifiers: ClinVar variation 3054232 (VCV003054232.2), dbSNP rs2480195576, ClinGen allele CA447210656.

ClinVar aggregate classification (germline): Likely benign (0 of 4 stars; one submission).

Conditions:
SPARC-related disorder. Also called: SPARC-related condition.

Submission:

PreventionGenetics, part of Exact Sciences
Classification: Likely benign for SPARC-related condition. Last evaluated: 2022-04-05. Review status: no assertion criteria provided. Collection method: clinical testing. Allele origin: germline.
Comment: This variant is classified as likely benign based on ACMG/AMP sequence variant interpretation guidelines (Richards et al. 2015 PMID: 25741868, with internal and published modifications).